The following is an entry in ClinVar:

NM_002516.4(NOVA2):c.805C>T (p.Pro269Ser)

Gene: NOVA2 (NOVA alternative splicing regulator 2; minus strand). Cytogenetic location: 19q13.32.
Variant type: single nucleotide variant.
Coding change: c.805C>T on transcript NM_002516.4 (MANE Select); coding-DNA position 805, C replaced by T.
Protein change: p.Pro269Ser; replaces proline 269 with serine.
Molecular consequence: missense variant.
Genome position (GRCh38, 1-based): chr19:45,940,537, G>A on the plus strand (C>T on the coding strand, the complement: NOVA2 is on the minus strand). VCF-style: chr19-45940537-G-A. GRCh37 (hg19) VCF-style: chr19-46443795-G-A.
Other names: short protein forms P269S.
Identifiers: ClinVar variation 3905309 (VCV003905309.10).

ClinVar aggregate classification (germline): Uncertain significance (1 of 4 stars; one submission).

Submission:

CeGaT Center for Human Genetics Tuebingen
Classification: Uncertain significance. Last evaluated: 2025-05-01. Review status: criteria provided, single submitter. Criteria: CeGaT Center For Human Genetics Tuebingen Variant Classification Criteria Version 2. Collection method: clinical testing. Allele origin: germline. Affected: yes. Observed: 1 variant allele.
Comment: NOVA2: PM2, PP2